The following is an entry in ClinVar:

ClinVar aggregate classification (germline): Uncertain significance (1 of 4 stars; one submission).

Conditions:
IFNLR1-related disorder. Also called: IFNLR1-related condition.

Allele frequency attached by ClinVar (database versions not stated): gnomAD 0.00001; TOPMed 0.00002; ExAC 0.00007; 1000 Genomes Project 30x 0.00016; 1000 Genomes Project 0.00020.
gnomAD v4.1: 65 of 1,614,032 alleles (0.004%); highest among the groups gnomAD compares: South Asian, 0.024%; no homozygotes.

Submission:

PreventionGenetics, part of Exact Sciences
Classification: Uncertain significance for IFNLR1-related condition. Last evaluated: 2022-11-10. Review status: criteria provided, single submitter. Criteria: ACMG Guidelines, 2015. Collection method: clinical testing. Allele origin: germline.
Comment: The IFNLR1 c.794G>A variant is predicted to result in the amino acid substitution p.Arg265Gln. To our knowledge, this variant has not been reported in the literature. This variant is reported in 0.029% of alleles in individuals of South Asian descent in gnomAD. At this time, the clinical significance of this variant is uncertain due to the absence of conclusive functional and genetic evidence.

NM_170743.4(IFNLR1):c.794G>A (p.Arg265Gln)

Gene: IFNLR1 (interferon lambda receptor 1; minus strand). Cytogenetic location: 1p36.11.
Variant type: single nucleotide variant.
Coding change: c.794G>A on transcript NM_170743.4 (MANE Select); coding-DNA position 794, G replaced by A.
Protein change: p.Arg265Gln; replaces arginine 265 with glutamine.
Molecular consequence: missense variant. On other transcripts: intron variant (1).
Genome position (GRCh38, 1-based): chr1:24,159,059, C>T on the plus strand (G>A on the coding strand, the complement: IFNLR1 is on the minus strand). VCF-style: chr1-24159059-C-T. GRCh37 (hg19) VCF-style: chr1-24485549-C-T.
Other names: c.794G>A, p.Arg265Gln (NM_173064.3); c.670+415G>A (NM_173065.3); short protein forms R265Q.
Identifiers: ClinVar variation 2631985 (VCV002631985.1), dbSNP rs200996459, ClinGen allele CA689528.